The following is an entry in ClinVar:

ClinVar aggregate classification (germline): Likely pathogenic (1 of 4 stars; one submission).

Conditions:
MEGF10-related myopathy (CMYO10A). Also called: Congenital myopathy 10A, severe variant. Identifiers: Orphanet 439212, MedGen C3280679, MONDO:0013731, OMIM 614399.

Submission:

Labcorp Genetics (formerly Invitae), Labcorp
Classification: Likely pathogenic for MEGF10-related myopathy. Last evaluated: 2022-02-27. Review status: criteria provided, single submitter. Criteria: Invitae Variant Classification Sherloc (09022015). Collection method: clinical testing. Allele origin: germline.
Comment: Algorithms developed to predict the effect of sequence changes on RNA splicing suggest that this variant may disrupt the consensus splice site. In summary, the currently available evidence indicates that the variant is pathogenic, but additional data are needed to prove that conclusively. Therefore, this variant has been classified as Likely Pathogenic. This variant has not been reported in the literature in individuals affected with MEGF10-related conditions. This variant is not present in population databases (gnomAD no frequency). This sequence change affects a donor splice site in intron 6 of the MEGF10 gene. It is expected to disrupt RNA splicing. Variants that disrupt the donor or acceptor splice site typically lead to a loss of protein function (PMID: 16199547), and loss-of-function variants in MEGF10 are known to be pathogenic (PMID: 22101682, 22371254, 23453856, 23954233).

Literature cited by the submitters: PubMed 16199547; PubMed 22101682; PubMed 22371254; PubMed 23453856; PubMed 23954233.

NM_001256545.2(MEGF10):c.412+1G>T

Gene: MEGF10 (multiple EGF like domains 10; plus strand). Cytogenetic location: 5q23.2.
Variant type: single nucleotide variant.
Coding change: c.412+1G>T on transcript NM_001256545.2 (MANE Select); the canonical splice donor site of the intron after coding-DNA position 412, G replaced by T.
Molecular consequence: splice donor variant.
Genome position (GRCh38, 1-based): chr5:127,370,003, G>T. VCF-style: chr5-127370003-G-T. GRCh37 (hg19) VCF-style: chr5-126705695-G-T.
Other names: c.412+1G>T (NM_032446.3, NM_001308119.2, NM_001308121.2).
Identifiers: ClinVar variation 2103866 (VCV002103866.4), dbSNP rs1231912617, ClinGen allele CA360825233.
Genomic context (GRCh38, chr5:127,370,003, plus strand): 5'-GTATTGCTCCAAACACCTGTCAGTGTGAGCCTGGCTGGGGAGGGACCAACTGCTCCAGTG[G>T]TAAGTTTCCACCTGCTGTTGTCTGTCTCGGGATGTTTTTGCTGTAAGGCCCTCCTTGTCT-3'